The following is an entry in ClinVar:

ClinVar aggregate classification (germline): Benign. Review status: criteria provided, multiple submitters, no conflicts (2 of 4 stars). 2 submissions from 2 submitters: Benign (2). Last evaluated 2018-01-12.

Conditions:
Dihydropteridine reductase deficiency (HPABH4C). Also called: HYPERPHENYLALANINEMIA, TETRAHYDROBIOPTERIN-DEFICIENT, DUE TO DHPR DEFICIENCY; BH4-Deficient Hyperphenylalaninemia C; Hyperphenylalaninemia due to dihydropteridine reductase deficiency; Hyperphenylalaninemia, BH-4-deficient, C; Phenylketonuria type 2; DHPR DEFICIENCY. Identifiers: Orphanet 226, Orphanet 238583, MedGen C0268465, MONDO:0009862, OMIM 261630.

Allele frequency attached by ClinVar (database versions not stated): gnomAD exomes 0.66049; 1000 Genomes Project 30x 0.64803; gnomAD 0.64808 and 0.65172; TOPMed 0.62932; 1000 Genomes Project 0.65855.

Submissions (2):

Illumina Laboratory Services, Illumina
Classification: Benign for Dihydropteridine reductase deficiency. Last evaluated: 2018-01-12. Review status: criteria provided, single submitter. Criteria: ICSL Variant Classification Criteria 13 December 2019. Collection method: clinical testing. Allele origin: germline.
Comment: This variant was observed in the ICSL laboratory as part of a predisposition screen in an ostensibly healthy population. It had not been previously curated by ICSL or reported in the Human Gene Mutation Database (HGMD: prior to June 1st, 2018), and was therefore a candidate for classification through an automated scoring system. Utilizing variant allele frequency, disease prevalence and penetrance estimates, and inheritance mode, an automated score was calculated to assess if this variant is too frequent to cause the disease. Based on the score and internal cut-off values, a variant classified as benign is not then subjected to further curation. The score for this variant resulted in a classification of benign for this disease.

Breakthrough Genomics
Classification: Benign. Review status: criteria provided, single submitter. Criteria: ACMG Guidelines, 2015. Collection method: not provided. Allele origin: germline. Inheritance: Autosomal recessive inheritance. Affected: yes.

NM_000320.3(QDPR):c.*510C>T

Gene: QDPR (quinoid dihydropteridine reductase; minus strand). Cytogenetic location: 4p15.32.
Variant type: single nucleotide variant.
Coding change: c.*510C>T on transcript NM_000320.3 (MANE Select); 510 bases downstream of the stop codon, C replaced by T.
Molecular consequence: 3 prime UTR variant. On other transcripts: non-coding transcript variant (1).
Genome position (GRCh38, 1-based): chr4:17,486,621, G>A on the plus strand (C>T on the coding strand, the complement: QDPR is on the minus strand). VCF-style: chr4-17486621-G-A. GRCh37 (hg19) VCF-style: chr4-17488244-G-A.
Other names: c.*510C>T (NM_001306140.2).
Identifiers: ClinVar variation 348141 (VCV000348141.6), dbSNP rs1031327, ClinGen allele CA10620569.